The following is an entry in ClinVar:

NM_018026.4(PACS1):c.2207+2dup

Gene: PACS1 (phosphofurin acidic cluster sorting protein 1; plus strand). Cytogenetic location: 11q13.2.
Variant type: Duplication.
Coding change: c.2207+2dup on transcript NM_018026.4 (MANE Select); the canonical splice donor site of the intron after coding-DNA position 2207, one base duplicated (T; older notation c.2207+2dupT).
Molecular consequence: splice donor variant.
Genome position (GRCh38, 1-based): chr11:66,235,405, T duplicated. VCF-style (leftmost placement, unchanged base first): chr11-66235404-G-GT. GRCh37 (hg19) VCF-style: chr11-66002875-G-GT.
Identifiers: ClinVar variation 3667714 (VCV003667714.2).
Genomic context (GRCh38, chr11:66,235,404, plus strand): 5'-GGCAGCCACGACACACCAGCTTCCCGTGGCCGAAGCCATGCTGACTTGCCGGCATAAGTT[G>GT]TAAGTTTGACTTTGAGGGGTTTCTTAAAAATAGGTTGGGTGGGTTAGAGGAATCTTGAGT-3'

ClinVar aggregate classification (germline): Uncertain significance (1 of 4 stars; one submission).

Conditions:
Schuurs-Hoeijmakers syndrome. Also called: PACS1-Related Neurodevelopmental Disorder. Identifiers: Orphanet 329224, MedGen C3554343, MONDO:0014006, OMIM 615009.

Submission:

Labcorp Genetics (formerly Invitae), Labcorp
Classification: Uncertain significance for Schuurs-Hoeijmakers syndrome. Last evaluated: 2024-02-02. Review status: criteria provided, single submitter. Criteria: Invitae Variant Classification Sherloc (09022015). Collection method: clinical testing. Allele origin: germline.
Comment: This sequence change falls in intron 18 of the PACS1 gene. It does not directly change the encoded amino acid sequence of the PACS1 protein. It affects a nucleotide within the consensus splice site. This variant is not present in population databases (gnomAD no frequency). This variant has not been reported in the literature in individuals affected with PACS1-related conditions. Variants that disrupt the consensus splice site are a relatively common cause of aberrant splicing (PMID: 17576681, 9536098). Algorithms developed to predict the effect of sequence changes on RNA splicing suggest that this variant may disrupt the consensus splice site. In summary, the available evidence is currently insufficient to determine the role of this variant in disease. Therefore, it has been classified as a Variant of Uncertain Significance.

Literature cited by the submitters: PubMed 17576681; PubMed 9536098.